The following is an entry in ClinVar:

NM_005148.4(UNC119):c.626G>A (p.Arg209His)

Gene: UNC119 (unc-119 lipid binding chaperone; minus strand). Cytogenetic location: 17q11.2.
Variant type: single nucleotide variant.
Coding change: c.626G>A on transcript NM_005148.4 (MANE Select); coding-DNA position 626, G replaced by A.
Protein change: p.Arg209His; replaces arginine 209 with histidine.
Molecular consequence: missense variant. On other transcripts: 3 prime UTR variant (1).
Genome position (GRCh38, 1-based): chr17:28,547,394, C>T on the plus strand (G>A on the coding strand, the complement: UNC119 is on the minus strand). VCF-style: chr17-28547394-C-T. GRCh37 (hg19) VCF-style: chr17-26874412-C-T.
Other names: c.341G>A, p.Arg114His (NM_001330166.2); c.*230G>A (NM_054035.2); short protein forms R209H, R114H.
Identifiers: ClinVar variation 322461 (VCV000322461.14), dbSNP rs375147970, ClinGen allele CA8459708.

ClinVar aggregate classification (germline): Uncertain significance. Review status: criteria provided, multiple submitters, no conflicts (2 of 4 stars). 4 submissions from 4 submitters: Uncertain significance (3). 1 of the submissions does not count toward it. Last evaluated 2025-11-07.

Conditions:
UNC119-related disorder. Also called: UNC119-related condition.
Cone-rod dystrophy. Also called: Cone/cone-rod dystrophy; Cone-rod degeneration. Identifiers: Orphanet 1872, MedGen C4085590, MONDO:0015993, HP:0000548.

Allele frequency attached by ClinVar (database versions not stated): TOPMed 0.00008; gnomAD 0.00010; ExAC 0.00002; gnomAD exomes 0.00004; ESP Exome Variant Server 0.00008.
gnomAD v4.1: 72 of 1,614,040 alleles (0.0045%); highest among the groups gnomAD compares: African/African-American, 0.013%; no homozygotes.

Submissions (4):

Ambry Genetics
Classification: Uncertain significance. Last evaluated: 2025-11-07. Review status: criteria provided, single submitter. Criteria: Ambry Variant Classification Scheme 2023. Collection method: clinical testing. Allele origin: germline.

Labcorp Genetics (formerly Invitae), Labcorp
Classification: Uncertain significance. Last evaluated: 2024-06-20. Review status: criteria provided, single submitter. Criteria: Invitae Variant Classification Sherloc (09022015). Collection method: clinical testing. Allele origin: germline.
Comment: This sequence change replaces arginine, which is basic and polar, with histidine, which is basic and polar, at codon 209 of the UNC119 protein (p.Arg209His). This variant is present in population databases (rs375147970, gnomAD 0.01%). This variant has not been reported in the literature in individuals affected with UNC119-related conditions. ClinVar contains an entry for this variant (Variation ID: 322461). An algorithm developed to predict the effect of missense changes on protein structure and function (PolyPhen-2) suggests that this variant is likely to be tolerated. In summary, the available evidence is currently insufficient to determine the role of this variant in disease. Therefore, it has been classified as a Variant of Uncertain Significance.

Illumina Laboratory Services, Illumina
Classification: Uncertain significance for Cone-rod dystrophy. Last evaluated: 2018-01-13. Review status: criteria provided, single submitter. Criteria: ICSL Variant Classification Criteria 13 December 2019. Collection method: clinical testing. Allele origin: germline.

PreventionGenetics, part of Exact Sciences
Classification: Uncertain significance for UNC119-related condition. Last evaluated: 2023-10-18. Review status: no assertion criteria provided. Collection method: clinical testing. Allele origin: germline. Not counted in ClinVar's aggregate classification.
Comment: The UNC119 c.626G>A variant is predicted to result in the amino acid substitution p.Arg209His. To our knowledge, this variant has not been reported in the literature. This variant is reported in 0.012% of alleles in individuals of African descent in gnomAD. At this time, the clinical significance of this variant is uncertain due to the absence of conclusive functional and genetic evidence.